The following is an entry in ClinVar:

NM_000153.4(GALC):c.1772G>A (p.Ser591Asn)

Gene: GALC (galactosylceramidase; minus strand). Cytogenetic location: 14q31.3.
Variant type: single nucleotide variant.
Coding change: c.1772G>A on transcript NM_000153.4 (MANE Select); coding-DNA position 1772, G replaced by A.
Protein change: p.Ser591Asn; replaces serine 591 with asparagine.
Molecular consequence: missense variant. On other transcripts: non-coding transcript variant (1).
Genome position (GRCh38, 1-based): chr14:87,941,457, C>T on the plus strand (G>A on the coding strand, the complement: GALC is on the minus strand). VCF-style: chr14-87941457-C-T. GRCh37 (hg19) VCF-style: chr14-88407801-C-T.
Other names: c.1703G>A, p.Ser568Asn (NM_001201401.2); c.1694G>A, p.Ser565Asn (NM_001201402.2); c.1604G>A, p.Ser535Asn (NM_001424071.1, NM_001424072.1, NM_001424073.1); c.1424G>A, p.Ser475Asn (NM_001424074.1, NM_001424075.1); c.1139G>A, p.Ser380Asn (NM_001424076.1, NM_001424077.1); short protein forms S535N, S591N, S565N, S568N, S380N, S475N.
Identifiers: ClinVar variation 2620543 (VCV002620543.6), dbSNP rs894465095, ClinGen allele CA264679980.
Genomic context (GRCh38, chr14:87,941,457, plus strand): 5'-AAATCACCTGTAACCCTGTAAGATCCATTTGCAAAAATCCAGAAGAAAATTCCTCTGGCA[C>T]TTCTAATCAAAATACCACCTTTATTTACTCTTCCTGCAATGAACACACCTCCTGTGTCAG-3'
Protein context (NP_000144.2, residues 581-601): RVNKGGILIR[Ser591Asn]ARGIFFWIFA

ClinVar aggregate classification (germline): Uncertain significance. Review status: criteria provided, multiple submitters, no conflicts (2 of 4 stars). 2 submissions from 2 submitters: Uncertain significance (2). Last evaluated 2025-10-21.

Conditions:
Inborn genetic diseases. Identifiers: MedGen C0950123, MeSH D030342.
Galactosylceramide beta-galactosidase deficiency. Also called: Leukodystrophy, Globoid Cell; Krabbe Disease; GALACTOCEREBROSIDASE DEFICIENCY; GALC DEFICIENCY; GLOBOID CELL LEUKOENCEPHALOPATHY. Identifiers: Orphanet 487, MedGen C0023521, MONDO:0009499, OMIM 245200.

Allele frequency attached by ClinVar (database versions not stated): gnomAD 0.00005.
gnomAD v4.1: 8 of 1,609,268 alleles (0.0005%); highest among the groups gnomAD compares: African/African-American, 0.0094%; no homozygotes.

Submissions (2):

Ambry Genetics
Classification: Uncertain significance for Inborn genetic diseases. Last evaluated: 2025-10-21. Review status: criteria provided, single submitter. Criteria: Ambry Variant Classification Scheme 2023. Collection method: clinical testing. Allele origin: germline.

Labcorp Genetics (formerly Invitae), Labcorp
Classification: Uncertain significance for Galactosylceramide beta-galactosidase deficiency. Last evaluated: 2024-05-15. Review status: criteria provided, single submitter. Criteria: Invitae Variant Classification Sherloc (09022015). Collection method: clinical testing. Allele origin: germline.
Comment: This sequence change replaces serine, which is neutral and polar, with asparagine, which is neutral and polar, at codon 591 of the GALC protein (p.Ser591Asn). This variant is present in population databases (no rsID available, gnomAD 0.01%). This variant has not been reported in the literature in individuals affected with GALC-related conditions. ClinVar contains an entry for this variant (Variation ID: 2620543). Advanced modeling of protein sequence and biophysical properties (such as structural, functional, and spatial information, amino acid conservation, physicochemical variation, residue mobility, and thermodynamic stability) performed at Invitae indicates that this missense variant is not expected to disrupt GALC protein function with a negative predictive value of 95%. In summary, the available evidence is currently insufficient to determine the role of this variant in disease. Therefore, it has been classified as a Variant of Uncertain Significance.